The following is an entry in ClinVar:

ClinVar aggregate classification (germline): Uncertain significance (1 of 4 stars; one submission).

Conditions:
MAGEL2-related disorder. Also called: MAGEL2-related condition.

Submission:

PreventionGenetics, part of Exact Sciences
Classification: Uncertain significance for MAGEL2-related condition. Last evaluated: 2026-02-11. Review status: criteria provided, single submitter. Criteria: ACMG Guidelines, 2015. Collection method: clinical testing. Allele origin: germline.
Comment: The MAGEL2 c.694C>T variant is predicted to result in the amino acid substitution p.Pro232Ser. To our knowledge, this variant has not been reported in the literature or in a large population database (gnomAD), indicating this variant is rare. At this time, the clinical significance of this variant is uncertain due to the absence of conclusive functional and genetic evidence.

NM_019066.5(MAGEL2):c.694C>T (p.Pro232Ser)

Gene: MAGEL2 (MAGE family member L2; minus strand). Cytogenetic location: 15q11.2.
Variant type: single nucleotide variant.
Coding change: c.694C>T on transcript NM_019066.5 (MANE Select); coding-DNA position 694, C replaced by T.
Protein change: p.Pro232Ser; replaces proline 232 with serine.
Molecular consequence: missense variant.
Genome position (GRCh38, 1-based): chr15:23,647,049, G>A on the plus strand (C>T on the coding strand, the complement: MAGEL2 is on the minus strand). VCF-style: chr15-23647049-G-A. GRCh37 (hg19) VCF-style: chr15-23892196-G-A.
Other names: short protein forms P232S.
Identifiers: ClinVar variation 4988840 (VCV004988840.1).
Genomic context (GRCh38, chr15:23,647,049, plus strand): 5'-GCTGGACCATCAGGACTCCCGGAGTCAGAGGCTGGGCCATCAGGACTCCCGGAGCTGGAG[G>A]CTGGGCCATCGGTGTACCCGGAGGGGGAGGATGAGCCATCGGTGTCCCCGGAGGTGGAGG-3'
Protein context (NP_061939.3, residues 222-242): PPPPGTPMAQ[Pro232Ser]PAPGVLMAQP